The following is an entry in ClinVar:

ClinVar aggregate classification (germline): Uncertain significance (1 of 4 stars; one submission).

Submission:

Women's Health and Genetics/Laboratory Corporation of America, LabCorp
Classification: Uncertain significance. Last evaluated: 2025-10-09. Review status: criteria provided, single submitter. Criteria: LabCorp Variant Classification Summary - May 2015. Collection method: clinical testing. Allele origin: germline.
Comment: Variant summary: TAT c.567G>A (p.Leu189Leu) alters a conserved nucleotide located close to a canonical splice site and therefore could affect mRNA splicing, leading to a significantly altered protein sequence. Consensus agreement among computation tools predict no significant impact on normal splicing. However, these predictions have yet to be confirmed by functional studies. The variant was absent in 251442 control chromosomes. The available data on variant occurrences in the general population are insufficient to allow any conclusion about variant significance. To our knowledge, no occurrence of c.567G>A in individuals affected with TAT-related conditions and no experimental evidence demonstrating its impact on protein function have been reported. No submitters have cited clinical-significance assessments for this variant to ClinVar. Based on the evidence outlined above, the variant was classified as uncertain significance.

NM_000353.3(TAT):c.567G>A (p.Leu189=)

Genes: TAT (tyrosine aminotransferase; minus strand), LOC111413029 (BRD4-independent group 4 enhancer GRCh37_chr16:71605697-71606896; plus strand). Cytogenetic location: 16q22.2.
Variant type: single nucleotide variant.
Coding change: c.567G>A on transcript NM_000353.3 (MANE Select); coding-DNA position 567, G replaced by A.
Protein change: p.Leu189=; no amino-acid change (leucine 189 retained).
Molecular consequence: synonymous variant.
Genome position (GRCh38, 1-based): chr16:71,572,530, C>T on the plus strand (G>A on the coding strand, the complement: TAT is on the minus strand). VCF-style: chr16-71572530-C-T. GRCh37 (hg19) VCF-style: chr16-71606433-C-T.
Identifiers: ClinVar variation 4687411 (VCV004687411.1).